The following is an entry in ClinVar:

NM_001385125.1(OPN1SW):c.530T>C (p.Leu177Pro)

Gene: OPN1SW (opsin 1, short wave sensitive; minus strand). Cytogenetic location: 7q32.1.
Variant type: single nucleotide variant.
Coding change: c.530T>C on transcript NM_001385125.1 (MANE Select); coding-DNA position 530, T replaced by C.
Protein change: p.Leu177Pro; replaces leucine 177 with proline.
Molecular consequence: missense variant.
Genome position (GRCh38, 1-based): chr7:128,774,646, A>G on the plus strand (T>C on the coding strand, the complement: OPN1SW is on the minus strand). VCF-style: chr7-128774646-A-G. GRCh37 (hg19) VCF-style: chr7-128414700-A-G.
Other names: short protein forms L177P.
Identifiers: ClinVar variation 1935197 (VCV001935197.5), dbSNP rs200777523, ClinGen allele CA4472909.

ClinVar aggregate classification (germline): Uncertain significance (1 of 4 stars; one submission).

Allele frequency attached by ClinVar (database versions not stated): gnomAD exomes below 0.00001; ExAC 0.00001; gnomAD 0.00001; TOPMed 0.00001; 1000 Genomes Project 0.00020; 1000 Genomes Project 30x 0.00062.
gnomAD v4.1: 8 of 1,614,144 alleles (0.0005%); highest among the groups gnomAD compares: Middle Eastern, 0.016%; no homozygotes.

Submission:

Labcorp Genetics (formerly Invitae), Labcorp
Classification: Uncertain significance. Last evaluated: 2022-06-30. Review status: criteria provided, single submitter. Criteria: Invitae Variant Classification Sherloc (09022015). Collection method: clinical testing. Allele origin: germline.
Comment: In summary, the available evidence is currently insufficient to determine the role of this variant in disease. Therefore, it has been classified as a Variant of Uncertain Significance. Algorithms developed to predict the effect of missense changes on protein structure and function (SIFT, PolyPhen-2, Align-GVGD) all suggest that this variant is likely to be disruptive. This variant has not been reported in the literature in individuals affected with OPN1SW-related conditions. This variant is present in population databases (rs200777523, gnomAD 0.007%). This sequence change replaces leucine, which is neutral and non-polar, with proline, which is neutral and non-polar, at codon 180 of the OPN1SW protein (p.Leu180Pro).